The following is an entry in ClinVar:

NM_000523.4(HOXD13):c.912C>G (p.Asp304Glu)

Gene: HOXD13 (homeobox D13; plus strand). Cytogenetic location: 2q31.1.
Variant type: single nucleotide variant.
Coding change: c.912C>G on transcript NM_000523.4 (MANE Select); coding-DNA position 912, C replaced by G.
Protein change: p.Asp304Glu; replaces aspartic acid 304 with glutamic acid.
Molecular consequence: missense variant.
Genome position (GRCh38, 1-based): chr2:176,094,610, C>G. VCF-style: chr2-176094610-C-G. GRCh37 (hg19) VCF-style: chr2-176959338-C-G.
Other names: short protein forms D304E.
Identifiers: ClinVar variation 451140 (VCV000451140.2), dbSNP rs1553517346, ClinGen allele CA349353792.

ClinVar aggregate classification (germline): Uncertain significance (1 of 4 stars; one submission).

Submission:

GeneDx
Classification: Uncertain significance. Last evaluated: 2017-08-03. Review status: criteria provided, single submitter. Criteria: GeneDx Variant Classification (06012015). Collection method: clinical testing. Allele origin: germline. Affected: yes.
Comment: The D304E variant in the HOXD13 gene has not been reported previously as a pathogenic variant, nor as a benign variant, to our knowledge. The D304E variant is not observed in large population cohorts (Lek et al., 2016; 1000 Genomes Consortium et al., 2015; Exome Variant Server). The D304E variant is a conservative amino acid substitution, which is not likely to impact secondary protein structure as these residues share similar properties. This substitution occurs at a position that is conserved across species. In silico analysis predicts this variant is probably damaging to the protein structure/function. We interpret D304E as a variant of uncertain significance.